The following is an entry in ClinVar:

ClinVar aggregate classification (germline): Uncertain significance (1 of 4 stars; one submission).

Submission:

GeneDx
Classification: Uncertain significance. Last evaluated: 2021-05-20. Review status: criteria provided, single submitter. Criteria: GeneDx Variant Classification Process June 2021. Collection method: clinical testing. Allele origin: germline. Affected: yes.
Comment: Not observed in large population cohorts (Lek et al., 2016); In silico analysis, which includes protein predictors and evolutionary conservation, supports that this variant does not alter protein structure/function; Has not been previously published as pathogenic or benign to our knowledge

NM_139058.3(ARX):c.139G>A (p.Ala47Thr)

Gene: ARX (aristaless related homeobox; minus strand). Cytogenetic location: Xp21.3.
Variant type: single nucleotide variant.
Coding change: c.139G>A on transcript NM_139058.3 (MANE Select); coding-DNA position 139, G replaced by A.
Protein change: p.Ala47Thr; replaces alanine 47 with threonine.
Molecular consequence: missense variant.
Genome position (GRCh38, 1-based): chrX:25,015,599, C>T on the plus strand (G>A on the coding strand, the complement: ARX is on the minus strand). VCF-style: chrX-25015599-C-T. GRCh37 (hg19) VCF-style: chrX-25033716-C-T.
Other names: short protein forms A47T.
Identifiers: ClinVar variation 1310684 (VCV001310684.2), dbSNP rs2147325410, ClinGen allele CA412613816.